The following is an entry in ClinVar:

ClinVar aggregate classification (germline): Likely benign. Review status: criteria provided, single submitter (1 of 4 stars). 2 submissions from 2 submitters: Likely benign (1). 1 of the submissions does not count toward it. Last evaluated 2025-12-19.

Conditions:
PTCH2-related disorder. Also called: PTCH2-related condition; PTCH2-related disease.
Gorlin syndrome. Also called: Basal cell nevus syndrome; Nevoid Basal Cell Carcinoma Syndrome. Identifiers: Orphanet 377, MedGen C0004779, MONDO:0007187.

Allele frequency attached by ClinVar (database versions not stated): gnomAD exomes 0.00006 and 0.00015; ExAC 0.00017; 1000 Genomes Project 30x 0.00031; 1000 Genomes Project 0.00040; gnomAD 0.00062 and 0.00066; TOPMed 0.00063; ESP Exome Variant Server 0.00085.
gnomAD v4.1: 192 of 1,614,178 alleles (0.012%); highest among the groups gnomAD compares: African/African-American, 0.2%; no homozygotes.

Submissions (2):

Labcorp Genetics (formerly Invitae), Labcorp
Classification: Likely benign for Gorlin syndrome. Last evaluated: 2025-12-19. Review status: criteria provided, single submitter. Criteria: Invitae Variant Classification Sherloc (09022015). Collection method: clinical testing. Allele origin: germline.

PreventionGenetics, part of Exact Sciences
Classification: Likely benign for PTCH2-related condition. Last evaluated: 2020-10-29. Review status: no assertion criteria provided. Collection method: clinical testing. Allele origin: germline. Not counted in ClinVar's aggregate classification.
Comment: This variant is classified as likely benign based on ACMG/AMP sequence variant interpretation guidelines (Richards et al. 2015 PMID: 25741868, with internal and published modifications).

NM_003738.5(PTCH2):c.3184G>A (p.Val1062Met)

Gene: PTCH2 (patched 2; minus strand). Cytogenetic location: 1p34.1.
Variant type: single nucleotide variant.
Coding change: c.3184G>A on transcript NM_003738.5 (MANE Select); coding-DNA position 3184, G replaced by A.
Protein change: p.Val1062Met; replaces valine 1062 with methionine.
Molecular consequence: missense variant.
Genome position (GRCh38, 1-based): chr1:44,823,316, C>T on the plus strand (G>A on the coding strand, the complement: PTCH2 is on the minus strand). VCF-style: chr1-44823316-C-T. GRCh37 (hg19) VCF-style: chr1-45288988-C-T.
Other names: c.3184G>A, p.Val1062Met (NM_001166292.2); short protein forms V1062M.
Identifiers: ClinVar variation 524611 (VCV000524611.14), dbSNP rs142187073, ClinGen allele CA822773.